The following is an entry in ClinVar:

NM_003106.4(SOX2):c.*6G>C

Genes: SOX2 (SRY-box transcription factor 2; plus strand), SOX2-OT (SOX2 overlapping transcript; plus strand). Cytogenetic location: 3q26.33.
Variant type: single nucleotide variant.
Coding change: c.*6G>C on transcript NM_003106.4 (MANE Select); 6 bases downstream of the stop codon, G replaced by C.
Molecular consequence: 3 prime UTR variant.
Genome position (GRCh38, 1-based): chr3:181,713,320, G>C. VCF-style: chr3-181713320-G-C. GRCh37 (hg19) VCF-style: chr3-181431108-G-C.
Identifiers: ClinVar variation 3907378 (VCV003907378.1).

ClinVar aggregate classification (germline): Uncertain significance (1 of 4 stars; one submission).

Submission:

Women's Health and Genetics/Laboratory Corporation of America, LabCorp
Classification: Uncertain significance. Last evaluated: 2025-06-04. Review status: criteria provided, single submitter. Criteria: LabCorp Variant Classification Summary - May 2015. Collection method: clinical testing. Allele origin: germline.
Comment: Variant summary: SOX2 c.*6G>C is located in the untranslated mRNA region downstream of the termination codon. The variant was absent in 163456 control chromosomes. The available data on variant occurrences in the general population are insufficient to allow any conclusion about variant significance. To our knowledge, no occurrence of c.*6G>C in individuals affected with Anophthalmia/microphthalmia-Esophageal Atresia Syndrome and no experimental evidence demonstrating its impact on protein function have been reported. No submitters have cited clinical-significance assessments for this variant to ClinVar. Based on the evidence outlined above, the variant was classified as uncertain significance.